The following is an entry in ClinVar:

NM_005422.4(TECTA):c.3692G>C (p.Arg1231Pro)

Genes: TBCEL-TECTA (TBCEL-TECTA readthrough; plus strand), TECTA (tectorin alpha; plus strand). Cytogenetic location: 11q23.3.
Variant type: single nucleotide variant.
Coding change: c.3692G>C on transcript NM_005422.4 (MANE Select); coding-DNA position 3692, G replaced by C.
Protein change: p.Arg1231Pro; replaces arginine 1231 with proline.
Molecular consequence: missense variant.
Genome position (GRCh38, 1-based): chr11:121,145,703, G>C. VCF-style: chr11-121145703-G-C. GRCh37 (hg19) VCF-style: chr11-121016412-G-C.
Other names: c.4649G>C, p.Arg1550Pro (NM_001378761.1); short protein forms R1231P, R1550P.
Identifiers: ClinVar variation 1326497 (VCV001326497.2), dbSNP rs773546195, ClinGen allele CA6327268.

ClinVar aggregate classification (germline): Uncertain significance (1 of 4 stars; one submission).

gnomAD v4.1: 4 of 1,614,188 alleles (0.00025%); highest among the groups gnomAD compares: Non-Finnish European, 0.00034%; no homozygotes.

Submission:

GeneDx
Classification: Uncertain significance. Last evaluated: 2021-05-24. Review status: criteria provided, single submitter. Criteria: GeneDx Variant Classification Process June 2021. Collection method: clinical testing. Allele origin: germline. Affected: yes.
Comment: In silico analysis supports that this missense variant does not alter protein structure/function; Has not been previously published as pathogenic or benign to our knowledge; Located in the von Willebrand factor type D3 region of the zonadhesin domain (Hildebrand et al., 2011)